The following is an entry in ClinVar:

NM_006949.4(STXBP2):c.1459G>A (p.Val487Met)

Gene: STXBP2 (syntaxin binding protein 2; plus strand). Cytogenetic location: 19p13.2.
Variant type: single nucleotide variant.
Coding change: c.1459G>A on transcript NM_006949.4 (MANE Select); coding-DNA position 1459, G replaced by A.
Protein change: p.Val487Met; replaces valine 487 with methionine.
Molecular consequence: missense variant. On other transcripts: non-coding transcript variant (1).
Genome position (GRCh38, 1-based): chr19:7,647,168, G>A. VCF-style: chr19-7647168-G-A. GRCh37 (hg19) VCF-style: chr19-7712054-G-A.
Other names: p.Val487Met; c.1450G>A, p.Val484Met (NM_001127396.3); c.1492G>A, p.Val498Met (NM_001272034.2); short protein forms V484M, V498M, V487M.
Identifiers: ClinVar variation 719480 (VCV000719480.18), dbSNP rs150174842, ClinGen allele CA9144195.

ClinVar aggregate classification (germline): Conflicting classifications of pathogenicity. Review status: criteria provided, conflicting classifications (1 of 4 stars). 5 submissions from 5 submitters: Uncertain significance (3); Likely benign (1). 1 of the submissions does not count toward it. Last evaluated 2026-02-03.

Conditions:
Autoinflammatory syndrome. Identifiers: Orphanet 93665, MedGen C3890737, MONDO:0019751.
Familial hemophagocytic lymphohistiocytosis 5. Also called: STXBP2-Related Familial Hemophagocytic Lymphohistiocytosis (STXBP2-fHLH). Identifiers: Orphanet 540, MedGen C2751293, MONDO:0013135, OMIM 613101.
STXBP2-related disorder. Also called: STXBP2-related condition.

Allele frequency attached by ClinVar (database versions not stated): ExAC 0.00051; 1000 Genomes Project 0.00060; 1000 Genomes Project 30x 0.00078; gnomAD 0.00195; TOPMed 0.00203; ESP Exome Variant Server 0.00278.
gnomAD v4.1: 526 of 1,611,864 alleles (0.033%); highest among the groups gnomAD compares: African/African-American, 0.58%; no homozygotes.

Submissions (5):

Labcorp Genetics (formerly Invitae), Labcorp
Classification: Likely benign for Familial hemophagocytic lymphohistiocytosis 5. Last evaluated: 2026-02-03. Review status: criteria provided, single submitter. Criteria: Invitae Variant Classification Sherloc (09022015). Collection method: clinical testing. Allele origin: germline.

Mayo Clinic Laboratories, Mayo Clinic
Classification: Uncertain significance. Last evaluated: 2025-05-16. Review status: criteria provided, single submitter. Criteria: ACMG Guidelines, 2015. Collection method: clinical testing. Allele origin: germline. Observed: 1 variant allele.
Comment: BS1_supporting, PS3_moderate

Blueprint Genetics
Classification: Uncertain significance. Last evaluated: 2024-11-06. Review status: criteria provided, single submitter. Criteria: ACMG Guidelines, 2015. Collection method: clinical testing. Allele origin: germline.

Genome Diagnostics Laboratory, The Hospital for Sick Children
Classification: Uncertain significance for Autoinflammatory syndrome. Last evaluated: 2018-06-01. Review status: criteria provided, single submitter. Criteria: ACMG Guidelines, 2015. Collection method: clinical testing. Allele origin: germline. Affected: yes.

PreventionGenetics, part of Exact Sciences
Classification: Likely benign for STXBP2-related condition. Last evaluated: 2022-03-11. Review status: no assertion criteria provided. Collection method: clinical testing. Allele origin: germline. Not counted in ClinVar's aggregate classification.
Comment: This variant is classified as likely benign based on ACMG/AMP sequence variant interpretation guidelines (Richards et al. 2015 PMID: 25741868, with internal and published modifications).

Literature cited by the submitters: PubMed 24916509 (cited by Mayo Clinic Laboratories, Mayo Clinic); PubMed 30290665 (cited by Mayo Clinic Laboratories, Mayo Clinic); PubMed 34170459 (cited by Mayo Clinic Laboratories, Mayo Clinic); PubMed 36706356 (cited by Mayo Clinic Laboratories, Mayo Clinic).